The following is an entry in ClinVar:

ClinVar aggregate classification (germline): Uncertain significance (1 of 4 stars; one submission).

gnomAD v4.1: 9 of 1,599,952 alleles (0.00056%); highest among the groups gnomAD compares: South Asian, 0.0011%; no homozygotes.

Submission:

GeneDx
Classification: Uncertain significance. Last evaluated: 2024-05-14. Review status: criteria provided, single submitter. Criteria: GeneDx Variant Classification Process June 2021. Collection method: clinical testing. Allele origin: germline. Affected: yes.
Comment: Not observed at significant frequency in large population cohorts (gnomAD); In silico analysis indicates that this missense variant does not alter protein structure/function; Has not been previously published as pathogenic or benign to our knowledge; This variant is associated with the following publications: (PMID: 19006240, 18767143)

NM_001999.4(FBN2):c.53G>A (p.Cys18Tyr)

Gene: FBN2 (fibrillin 2; minus strand). Cytogenetic location: 5q23.3.
Variant type: single nucleotide variant.
Coding change: c.53G>A on transcript NM_001999.4 (MANE Select); coding-DNA position 53, G replaced by A.
Protein change: p.Cys18Tyr; replaces cysteine 18 with tyrosine.
Molecular consequence: missense variant.
Genome position (GRCh38, 1-based): chr5:128,537,551, C>T on the plus strand (G>A on the coding strand, the complement: FBN2 is on the minus strand). VCF-style: chr5-128537551-C-T. GRCh37 (hg19) VCF-style: chr5-127873244-C-T.
Other names: short protein forms C18Y.
Identifiers: ClinVar variation 3377875 (VCV003377875.1).
Genomic context (GRCh38, chr5:128,537,551, plus strand): 5'-GGCGGCTTGGGCGGAGGAGGCTGAGGCTGGCCGGCCGTGCCCTGCGCCCAGAGCACCACA[C>T]AGCCCAGCCACAGGAAGTAGAGCTGGAGACACAGCCTCCGTCTTCTCCCCATCGCCGGCG-3'
Protein context (NP_001990.2, residues 8-28): CLQLYFLWLG[Cys18Tyr]VVLWAQGTAG